The following is an entry in ClinVar:

ClinVar aggregate classification (germline): Uncertain significance (1 of 4 stars; one submission).

Conditions:
Short-rib thoracic dysplasia 13 with or without polydactyly (SRTD13). Identifiers: Orphanet 474, MedGen C4225378, MONDO:0014577, OMIM 616300.

Allele frequency attached by ClinVar (database versions not stated): gnomAD exomes below 0.00001; ExAC 0.00001; TOPMed 0.00001.
gnomAD v4.1: 1 of 1,612,116 alleles (0.000062%); highest among the groups gnomAD compares: Admixed American, 0.0017%; no homozygotes.

Submission:

Labcorp Genetics (formerly Invitae), Labcorp
Classification: Uncertain significance for Short-rib thoracic dysplasia 13 with or without polydactyly. Last evaluated: 2023-08-30. Review status: criteria provided, single submitter. Criteria: Invitae Variant Classification Sherloc (09022015). Collection method: clinical testing. Allele origin: germline.
Comment: This sequence change replaces glutamine, which is neutral and polar, with histidine, which is basic and polar, at codon 354 of the CEP120 protein (p.Gln354His). This variant is present in population databases (rs775393475, gnomAD 0.003%). This variant has not been reported in the literature in individuals affected with CEP120-related conditions. ClinVar contains an entry for this variant (Variation ID: 1412688). Advanced modeling of protein sequence and biophysical properties (such as structural, functional, and spatial information, amino acid conservation, physicochemical variation, residue mobility, and thermodynamic stability) performed at Invitae indicates that this missense variant is not expected to disrupt CEP120 protein function. In summary, the available evidence is currently insufficient to determine the role of this variant in disease. Therefore, it has been classified as a Variant of Uncertain Significance.

NM_001375405.1(CEP120):c.1062G>C (p.Gln354His)

Gene: CEP120 (centrosomal protein 120; minus strand). Cytogenetic location: 5q23.2.
Variant type: single nucleotide variant.
Coding change: c.1062G>C on transcript NM_001375405.1 (MANE Select); coding-DNA position 1062, G replaced by C.
Protein change: p.Gln354His; replaces glutamine 354 with histidine.
Molecular consequence: missense variant. On other transcripts: non-coding transcript variant (1), intron variant (1).
Genome position (GRCh38, 1-based): chr5:123,390,117, C>G on the plus strand (G>C on the coding strand, the complement: CEP120 is on the minus strand). VCF-style: chr5-123390117-C-G. GRCh37 (hg19) VCF-style: chr5-122725811-C-G.
Other names: c.984G>C, p.Gln328His (NM_001166226.2); c.1062G>C, p.Gln354His (NM_001375407.1, NM_153223.4); c.489G>C, p.Gln163His (NM_001375408.1, NM_001375409.1); c.1039-112G>C (NM_001375406.1); short protein forms Q328H, Q354H, Q163H.
Identifiers: ClinVar variation 1412688 (VCV001412688.6), dbSNP rs775393475, ClinGen allele CA3387061.